The following is an entry in ClinVar:

ClinVar aggregate classification (germline): Uncertain significance (1 of 4 stars; one submission).

Conditions:
Inborn genetic diseases. Identifiers: MedGen C0950123, MeSH D030342.

Submission:

Ambry Genetics
Classification: Uncertain significance for Inborn genetic diseases. Last evaluated: 2024-01-12. Review status: criteria provided, single submitter. Criteria: Ambry Variant Classification Scheme 2023. Collection method: clinical testing. Allele origin: germline.
Comment: The c.1805G>A (p.R602Q) alteration is located in exon 1 (coding exon 1) of the PCDH19 gene. This alteration results from a G to A substitution at nucleotide position 1805, causing the arginine (R) at amino acid position 602 to be replaced by a glutamine (Q). This variant was not reported in population-based cohorts in the Genome Aggregation Database (gnomAD). This amino acid position is highly conserved in available vertebrate species. This alteration is predicted to be tolerated by in silico analysis. Based on insufficient or conflicting evidence, the clinical significance of this alteration remains unclear.

NM_001184880.2(PCDH19):c.1805G>A (p.Arg602Gln)

Gene: PCDH19 (protocadherin 19; minus strand). Cytogenetic location: Xq22.1.
Variant type: single nucleotide variant.
Coding change: c.1805G>A on transcript NM_001184880.2 (MANE Select); coding-DNA position 1805, G replaced by A.
Protein change: p.Arg602Gln; replaces arginine 602 with glutamine.
Molecular consequence: missense variant.
Genome position (GRCh38, 1-based): chrX:100,406,793, C>T on the plus strand (G>A on the coding strand, the complement: PCDH19 is on the minus strand). VCF-style: chrX-100406793-C-T. GRCh37 (hg19) VCF-style: chrX-99661791-C-T.
Other names: c.1805G>A, p.Arg602Gln (NM_001105243.2, NM_020766.3); short protein forms R602Q.
Identifiers: ClinVar variation 3209196 (VCV003209196.1), dbSNP rs775424574, ClinGen allele CA10468845.